The following is an entry in ClinVar:

NM_006154.4(NEDD4):c.291+8022G>C

Gene: NEDD4 (NEDD4 E3 ubiquitin protein ligase; minus strand). Cytogenetic location: 15q21.3.
Variant type: single nucleotide variant.
Coding change: c.291+8022G>C on transcript NM_006154.4 (MANE Select); 8022 bases into the intron after coding-DNA position 291, G replaced by C.
Molecular consequence: intron variant. On other transcripts: missense variant (4), non-coding transcript variant (1).
Genome position (GRCh38, 1-based): chr15:55,916,624, C>G on the plus strand (G>C on the coding strand, the complement: NEDD4 is on the minus strand). VCF-style: chr15-55916624-C-G. GRCh37 (hg19) VCF-style: chr15-56208822-C-G.
Other names: c.208G>C, p.Glu70Gln (NM_001284338.2, NM_001284339.1, NM_001284340.1 and 1 more transcripts); c.-151+8022G>C (NM_001329212.2); short protein forms E70Q.
Identifiers: ClinVar variation 710651 (VCV000710651.6), dbSNP rs111308798, ClinGen allele CA7577656.

ClinVar aggregate classification (germline): Likely benign. Review status: criteria provided, multiple submitters, no conflicts (2 of 4 stars). 3 submissions from 3 submitters: Likely benign (2). 1 of the submissions does not count toward it. Last evaluated 2018-12-20.

Conditions:
NEDD4-related disorder. Also called: NEDD4-related condition.

Allele frequency attached by ClinVar (database versions not stated): 1000 Genomes Project 0.00080; 1000 Genomes Project 30x 0.00094; TOPMed 0.00130; gnomAD 0.00160 and 0.00161; gnomAD exomes 0.00183 and 0.00184; ESP Exome Variant Server 0.00200; ExAC 0.00232.
gnomAD v4.1: 2,916 of 1,614,020 alleles (0.18%); highest among the groups gnomAD compares: Non-Finnish European, 0.22%; 5 homozygotes.

Submissions (3):

Labcorp Genetics (formerly Invitae), Labcorp
Classification: Likely benign. Last evaluated: 2018-12-20. Review status: criteria provided, single submitter. Criteria: Invitae Variant Classification Sherloc (09022015). Collection method: clinical testing. Allele origin: germline.

Breakthrough Genomics
Classification: Likely benign. Review status: criteria provided, single submitter. Criteria: ACMG Guidelines, 2015. Collection method: not provided. Allele origin: germline. Inheritance: Unknown mechanism. Affected: yes.

PreventionGenetics, part of Exact Sciences
Classification: Likely benign for NEDD4-related condition. Last evaluated: 2023-01-03. Review status: no assertion criteria provided. Collection method: clinical testing. Allele origin: germline. Not counted in ClinVar's aggregate classification.
Comment: This variant is classified as likely benign based on ACMG/AMP sequence variant interpretation guidelines (Richards et al. 2015 PMID: 25741868, with internal and published modifications).